The following is an entry in ClinVar:

NM_001106.4(ACVR2B):c.*9737C>T

Gene: ACVR2B (activin A receptor type 2B; plus strand). Cytogenetic location: 3p22.2.
Variant type: single nucleotide variant.
Coding change: c.*9737C>T on transcript NM_001106.4 (MANE Select); 9737 bases downstream of the stop codon, C replaced by T.
Molecular consequence: 3 prime UTR variant.
Genome position (GRCh38, 1-based): chr3:38,493,069, C>T. VCF-style: chr3-38493069-C-T. GRCh37 (hg19) VCF-style: chr3-38534560-C-T.
Identifiers: ClinVar variation 345059 (VCV000345059.5), dbSNP rs549166852, ClinGen allele CA10615784.

ClinVar aggregate classification (germline): Likely benign (1 of 4 stars; one submission).

Conditions:
Heterotaxy, visceral, 4, autosomal (HTX4). Identifiers: Orphanet 450, MedGen C3151057, MONDO:0013403, OMIM 613751.

Allele frequency attached by ClinVar (database versions not stated): gnomAD 0.00001 and 0.00005; 1000 Genomes Project 30x 0.00078; 1000 Genomes Project 0.00100; TOPMed below 0.00001.

Submission:

Illumina Laboratory Services, Illumina
Classification: Likely benign for Heterotaxy, visceral, 4, autosomal. Last evaluated: 2018-01-12. Review status: criteria provided, single submitter. Criteria: ICSL Variant Classification Criteria 13 December 2019. Collection method: clinical testing. Allele origin: germline.
Comment: This variant was observed in the ICSL laboratory as part of a predisposition screen in an ostensibly healthy population. It had not been previously curated by ICSL or reported in the Human Gene Mutation Database (HGMD: prior to June 1st, 2018), and was therefore a candidate for classification through an automated scoring system. Utilizing variant allele frequency, disease prevalence and penetrance estimates, and inheritance mode, an automated score was calculated to assess if this variant is too frequent to cause the disease. Based on the score and internal cut-off values, a variant classified as likely benign is not then subjected to further curation. The score for this variant resulted in a classification of likely benign for this disease.